The following is an entry in ClinVar:

NM_000321.3(RB1):c.1126A>G (p.Arg376Gly)

Gene: RB1 (RB transcriptional corepressor 1; plus strand). Cytogenetic location: 13q14.2.
Variant type: single nucleotide variant.
Coding change: c.1126A>G on transcript NM_000321.3 (MANE Select); coding-DNA position 1126, A replaced by G.
Protein change: p.Arg376Gly; replaces arginine 376 with glycine.
Molecular consequence: missense variant.
Genome position (GRCh38, 1-based): chr13:48,368,603, A>G. VCF-style: chr13-48368603-A-G. GRCh37 (hg19) VCF-style: chr13-48942739-A-G.
Other names: short protein forms R376G.
Identifiers: ClinVar variation 1010949 (VCV001010949.8), dbSNP rs1952727580, ClinGen allele CA388161384.

ClinVar aggregate classification (germline): Uncertain significance (1 of 4 stars; one submission).

Conditions:
Retinoblastoma (RB1). Also called: RETINOBLASTOMA, SOMATIC. Identifiers: Orphanet 790, MedGen C0035335, MeSH D012175, MONDO:0008380, OMIM 180200, HP:0009919. Disease mechanism: loss of function. Inheritance: Both sporadic and heritable forms are tested..

Submission:

Labcorp Genetics (formerly Invitae), Labcorp
Classification: Uncertain significance for Retinoblastoma. Last evaluated: 2024-09-05. Review status: criteria provided, single submitter. Criteria: Invitae Variant Classification Sherloc (09022015). Collection method: clinical testing. Allele origin: germline.
Comment: This sequence change replaces arginine, which is basic and polar, with glycine, which is neutral and non-polar, at codon 376 of the RB1 protein (p.Arg376Gly). This variant is not present in population databases (gnomAD no frequency). This variant has not been reported in the literature in individuals affected with RB1-related conditions. ClinVar contains an entry for this variant (Variation ID: 1010949). An algorithm developed to predict the effect of missense changes on protein structure and function (PolyPhen-2) suggests that this variant is likely to be disruptive. In summary, the available evidence is currently insufficient to determine the role of this variant in disease. Therefore, it has been classified as a Variant of Uncertain Significance.